The following is an entry in ClinVar:

ClinVar aggregate classification (germline): Uncertain significance (1 of 4 stars; one submission).

Submission:

Labcorp Genetics (formerly Invitae), Labcorp
Classification: Uncertain significance. Last evaluated: 2024-04-02. Review status: criteria provided, single submitter. Criteria: Invitae Variant Classification Sherloc (09022015). Collection method: clinical testing. Allele origin: germline.
Comment: This sequence change falls in intron 8 of the DUOX2 gene. It does not directly change the encoded amino acid sequence of the DUOX2 protein. It affects a nucleotide within the consensus splice site. This variant is present in population databases (rs752202018, gnomAD 0.02%). This variant has not been reported in the literature in individuals affected with DUOX2-related conditions. Variants that disrupt the consensus splice site are a relatively common cause of aberrant splicing (PMID: 17576681, 9536098). Algorithms developed to predict the effect of sequence changes on RNA splicing suggest that this variant is not likely to affect RNA splicing. In summary, the available evidence is currently insufficient to determine the role of this variant in disease. Therefore, it has been classified as a Variant of Uncertain Significance.

Literature cited by the submitters: PubMed 17576681; PubMed 9536098.

NM_001363711.2(DUOX2):c.944-3C>T

Gene: DUOX2 (dual oxidase 2; minus strand). Cytogenetic location: 15q21.1.
Variant type: single nucleotide variant.
Coding change: c.944-3C>T on transcript NM_001363711.2 (MANE Select); 3 bases into the intron before coding-DNA position 944, C replaced by T.
Molecular consequence: intron variant.
Genome position (GRCh38, 1-based): chr15:45,110,527, G>A on the plus strand (C>T on the coding strand, the complement: DUOX2 is on the minus strand). VCF-style: chr15-45110527-G-A. GRCh37 (hg19) VCF-style: chr15-45402725-G-A.
Other names: c.944-3C>T (NM_014080.5).
Identifiers: ClinVar variation 3713263 (VCV003713263.2).
Genomic context (GRCh38, chr15:45,110,527, plus strand): 5'-TGCTCAGAGGCCACCACAAATTCCGGGGAGATGCTGGGGTCTAGGAAAGGACGGTATCCT[G>A]CAGGAAGGAGACGGTGATGATGGGGAGACAGGCTTCTTGCCTCCACATCCTCCCATCACA-3'